The following is an entry in ClinVar:

ClinVar aggregate classification (germline): Uncertain significance. Review status: criteria provided, multiple submitters, no conflicts (2 of 4 stars). 2 submissions from 2 submitters: Uncertain significance (2). Last evaluated 2023-10-04.

Conditions:
Hereditary cancer-predisposing syndrome. Also called: Neoplastic Syndromes, Hereditary; Tumor predisposition; Hereditary Cancer Syndrome; Hereditary neoplastic syndrome. Identifiers: Orphanet 140162, MedGen C0027672, MeSH D009386, MONDO:0015356.
Pheochromocytoma/paraganglioma syndrome 4. Also called: CAROTID BODY TUMORS AND MULTIPLE EXTRAADRENAL PHEOCHROMOCYTOMAS; SDHB-Related Hereditary Paraganglioma-Pheochromocytoma Syndrome (Paragangliomas 4); SDHB-Related Hereditary Paraganglioma-Pheochromocytoma Syndrome; PARAGANGLIOMA, FAMILIAL MALIGNANT; PARAGANGLIOMAS, HEREDITARY EXTRAADRENAL; PHEOCHROMOCYTOMA, FAMILIAL EXTRAADRENAL. Identifiers: Orphanet 29072, MedGen C1861848, MONDO:0007273, OMIM 115310.
Gastrointestinal stromal tumor. Also called: Gastrointestinal stromal tumor, somatic; Gastrointestinal stroma tumor. Identifiers: Orphanet 44890, MedGen C0238198, MeSH D046152, MONDO:0011719, OMIM 606764, HP:0100723.
Pheochromocytoma. Also called: MAX-Related Hereditary Paraganglioma-Pheochromocytoma Syndrome. Identifiers: Orphanet 29072, MedGen C0031511, MONDO:0008233, OMIM 171300, HP:0002666.

Allele frequency attached by ClinVar (database versions not stated): gnomAD exomes below 0.00001; TOPMed below 0.00001.
gnomAD v4.1: 1 of 1,612,066 alleles (0.000062%); highest among the groups gnomAD compares: African/African-American, 0.0013%; no homozygotes.

Submissions (2):

Labcorp Genetics (formerly Invitae), Labcorp
Classification: Uncertain significance for Gastrointestinal stromal tumor; Pheochromocytoma/paraganglioma syndrome 4; Pheochromocytoma. Last evaluated: 2023-10-04. Review status: criteria provided, single submitter. Criteria: Invitae Variant Classification Sherloc (09022015). Collection method: clinical testing. Allele origin: germline.
Comment: This sequence change replaces valine, which is neutral and non-polar, with isoleucine, which is neutral and non-polar, at codon 211 of the SDHB protein (p.Val211Ile). This variant is not present in population databases (gnomAD no frequency). This variant has not been reported in the literature in individuals affected with SDHB-related conditions. ClinVar contains an entry for this variant (Variation ID: 838089). Advanced modeling of protein sequence and biophysical properties (such as structural, functional, and spatial information, amino acid conservation, physicochemical variation, residue mobility, and thermodynamic stability) performed at Invitae indicates that this missense variant is not expected to disrupt SDHB protein function. In summary, the available evidence is currently insufficient to determine the role of this variant in disease. Therefore, it has been classified as a Variant of Uncertain Significance.

Ambry Genetics
Classification: Uncertain significance for Hereditary cancer-predisposing syndrome. Last evaluated: 2022-11-10. Review status: criteria provided, single submitter. Criteria: Ambry Variant Classification Scheme 2023. Collection method: clinical testing. Allele origin: germline.
Comment: The p.V211I variant (also known as c.631G>A), located in coding exon 6 of the SDHB gene, results from a G to A substitution at nucleotide position 631. The valine at codon 211 is replaced by isoleucine, an amino acid with highly similar properties. This amino acid position is conserved. In addition, the in silico prediction for this alteration is inconclusive. Since supporting evidence is limited at this time, the clinical significance of this alteration remains unclear.

NM_003000.3(SDHB):c.631G>A (p.Val211Ile)

Gene: SDHB (succinate dehydrogenase complex iron sulfur subunit B; minus strand). Cytogenetic location: 1p36.13.
Variant type: single nucleotide variant.
Coding change: c.631G>A on transcript NM_003000.3 (MANE Select); coding-DNA position 631, G replaced by A.
Protein change: p.Val211Ile; replaces valine 211 with isoleucine.
Molecular consequence: missense variant.
Genome position (GRCh38, 1-based): chr1:17,023,984, C>T on the plus strand (G>A on the coding strand, the complement: SDHB is on the minus strand). VCF-style: chr1-17023984-C-T. GRCh37 (hg19) VCF-style: chr1-17350479-C-T.
Other names: short protein forms V211I.
Identifiers: ClinVar variation 838089 (VCV000838089.9), dbSNP rs2077977582, ClinGen allele CA338270943.